The following is an entry in ClinVar:

NM_177438.3(DICER1):c.2256+11G>A

Gene: DICER1 (dicer 1, ribonuclease III; minus strand). Cytogenetic location: 14q32.13.
Variant type: single nucleotide variant.
Coding change: c.2256+11G>A on transcript NM_177438.3 (MANE Select); 11 bases into the intron after coding-DNA position 2256, G replaced by A.
Molecular consequence: intron variant. On other transcripts: missense variant (1).
Genome position (GRCh38, 1-based): chr14:95,111,306, C>T on the plus strand (G>A on the coding strand, the complement: DICER1 is on the minus strand). VCF-style: chr14-95111306-C-T. GRCh37 (hg19) VCF-style: chr14-95577643-C-T.
Other names: c.1862G>A, p.Gly621Asp (NM_001395698.1); c.2256+11G>A (NM_001291628.2, NM_030621.4, NM_001395677.1 and 12 more transcripts); c.1851+11G>A (NM_001395690.1, NM_001395687.1, NM_001395689.1 and 2 more transcripts); c.1974+11G>A (NM_001395686.1); c.1689+11G>A (NM_001395691.1); c.573+11G>A (NM_001395697.1); short protein forms G621D.
Identifiers: ClinVar variation 2012917 (VCV002012917.4), dbSNP rs376378981, ClinGen allele CA2575615916.

ClinVar aggregate classification (germline): Uncertain significance (1 of 4 stars; one submission).

Conditions:
DICER1-related tumor predisposition. Also called: DICER1 syndrome; DICER1-related pleuropulmonary blastoma cancer predisposition syndrome. Identifiers: Orphanet 284343, MedGen C3839822, MONDO:0100216.

gnomAD v4.1: 1 of 1,614,096 alleles (0.000062%); highest among the groups gnomAD compares: South Asian, 0.0011%; no homozygotes.

Submission:

Labcorp Genetics (formerly Invitae), Labcorp
Classification: Uncertain significance for DICER1-related tumor predisposition. Last evaluated: 2023-10-16. Review status: criteria provided, single submitter. Criteria: Invitae Variant Classification Sherloc (09022015). Collection method: clinical testing. Allele origin: germline.
Comment: This sequence change falls in intron 14 of the DICER1 gene. It does not directly change the encoded amino acid sequence of the DICER1 protein. This variant is not present in population databases (gnomAD no frequency). This variant has not been reported in the literature in individuals affected with DICER1-related conditions. ClinVar contains an entry for this variant (Variation ID: 2012917). Algorithms developed to predict the effect of sequence changes on RNA splicing suggest that this variant may disrupt the consensus splice site. In summary, the available evidence is currently insufficient to determine the role of this variant in disease. Therefore, it has been classified as a Variant of Uncertain Significance.